The following is an entry in ClinVar:

NM_002519.3(NPAT):c.128A>G (p.Asp43Gly)

Gene: NPAT (nuclear protein, coactivator of histone transcription; minus strand). Cytogenetic location: 11q22.3.
Variant type: single nucleotide variant.
Coding change: c.128A>G on transcript NM_002519.3 (MANE Select); coding-DNA position 128, A replaced by G.
Protein change: p.Asp43Gly; replaces aspartic acid 43 with glycine.
Molecular consequence: missense variant.
Genome position (GRCh38, 1-based): chr11:108,197,330, T>C on the plus strand (A>G on the coding strand, the complement: NPAT is on the minus strand). VCF-style: chr11-108197330-T-C. GRCh37 (hg19) VCF-style: chr11-108068057-T-C.
Other names: c.128A>G, p.Asp43Gly (NM_001321307.1); short protein forms D43G.
Identifiers: ClinVar variation 3222458 (VCV003222458.3), dbSNP rs2496759996, ClinGen allele CA382528012.

ClinVar aggregate classification (germline): Uncertain significance. Review status: criteria provided, multiple submitters, no conflicts (2 of 4 stars). 2 submissions from 2 submitters: Uncertain significance (2). Last evaluated 2025-12-09.

gnomAD v4.1: 1 of 1,610,378 alleles (0.000062%); highest among the groups gnomAD compares: Non-Finnish European, 0.000085%; no homozygotes.

Submissions (2):

Ambry Genetics
Classification: Uncertain significance. Last evaluated: 2025-12-09. Review status: criteria provided, single submitter. Criteria: Ambry Variant Classification Scheme 2023. Collection method: clinical testing. Allele origin: germline.

Labcorp Genetics (formerly Invitae), Labcorp
Classification: Uncertain significance. Last evaluated: 2025-06-30. Review status: criteria provided, single submitter. Criteria: Invitae Variant Classification Sherloc (09022015). Collection method: clinical testing. Allele origin: germline.
Comment: This sequence change replaces aspartic acid, which is acidic and polar, with glycine, which is neutral and non-polar, at codon 43 of the NPAT protein (p.Asp43Gly). This variant is not present in population databases (gnomAD no frequency). This variant has not been reported in the literature in individuals affected with NPAT-related conditions. ClinVar contains an entry for this variant (Variation ID: 3222458). An algorithm developed to predict the effect of missense changes on protein structure and function (PolyPhen-2) suggests that this variant is likely to be tolerated. In summary, the available evidence is currently insufficient to determine the role of this variant in disease. Therefore, it has been classified as a Variant of Uncertain Significance.